The following is an entry in ClinVar:

ClinVar aggregate classification (germline): Likely benign (1 of 4 stars; one submission).

Allele frequency attached by ClinVar (database versions not stated): TOPMed below 0.00001.
gnomAD v4.1: 1 of 1,320,362 alleles (0.000076%); highest among the groups gnomAD compares: South Asian, 0.002%; no homozygotes.

Submission:

GeneDx
Classification: Likely benign. Last evaluated: 2017-08-18. Review status: criteria provided, single submitter. Criteria: GeneDx Variant Classification (06012015). Collection method: clinical testing. Allele origin: germline. Affected: yes.
Comment: This variant is considered likely benign or benign based on one or more of the following criteria: it is a conservative change, it occurs at a poorly conserved position in the protein, it is predicted to be benign by multiple in silico algorithms, and/or has population frequency not consistent with disease.

NM_130468.4(CHST14):c.-27C>G

Genes: CHST14 (carbohydrate sulfotransferase 14; plus strand), LOC130056851 (ATAC-STARR-seq lymphoblastoid silent region 6336; plus strand). Cytogenetic location: 15q15.1.
Variant type: single nucleotide variant.
Coding change: c.-27C>G on transcript NM_130468.4 (MANE Select); 27 bases upstream of the start codon, C replaced by G.
Molecular consequence: 5 prime UTR variant.
Genome position (GRCh38, 1-based): chr15:40,471,187, C>G. VCF-style: chr15-40471187-C-G. GRCh37 (hg19) VCF-style: chr15-40763386-C-G.
Identifiers: ClinVar variation 511518 (VCV000511518.1), dbSNP rs1555410680, ClinGen allele CA658798303.